The following is an entry in ClinVar:

ClinVar aggregate classification (germline): Uncertain significance (1 of 4 stars; one submission).

Conditions:
Hereditary sensory and autonomic neuropathy type 6. Also called: Neuropathy, hereditary sensory and autonomic, type VI; HSAN VI. Identifiers: Orphanet 314381, MedGen C3539003, MONDO:0013839, OMIM 614653.
Epidermolysis bullosa simplex 3, localized or generalized intermediate, with BP230 deficiency (EBS3). Also called: Epidermolysis bullosa simplex, autosomal recessive 2; Epidermolysis bullosa simplex due to BP230 deficiency. Identifiers: Orphanet 412181, MedGen C3809470, MONDO:0014180, OMIM 615425.

gnomAD v4.1: 3 of 1,574,084 alleles (0.00019%); no homozygotes.

Submission:

Labcorp Genetics (formerly Invitae), Labcorp
Classification: Uncertain significance for Epidermolysis bullosa simplex 3, localized or generalized intermediate, with BP230 deficiency; Hereditary sensory and autonomic neuropathy type 6. Last evaluated: 2024-04-17. Review status: criteria provided, single submitter. Criteria: Invitae Variant Classification Sherloc (09022015). Collection method: clinical testing. Allele origin: germline.
Comment: The DST gene has multiple clinically relevant transcripts. This variant occurs in alternate transcript NM_015548.4, and corresponds to NM_001723.5:c.*16817A>C in the primary transcript. This sequence change replaces lysine, which is basic and polar, with glutamine, which is neutral and polar, at codon 1279 of the DST protein (p.Lys1279Gln). This variant is not present in population databases (gnomAD no frequency). This variant has not been reported in the literature in individuals affected with DST-related conditions. Experimental studies and prediction algorithms are not available or were not evaluated, and the functional significance of this variant is currently unknown. In summary, the available evidence is currently insufficient to determine the role of this variant in disease. Therefore, it has been classified as a Variant of Uncertain Significance.

NM_001374736.1(DST):c.11704A>C (p.Lys3902Gln)

Gene: DST (dystonin; minus strand). Cytogenetic location: 6p12.1.
Variant type: single nucleotide variant.
Coding change: c.11704A>C on transcript NM_001374736.1 (MANE Select); coding-DNA position 11704, A replaced by C.
Protein change: p.Lys3902Gln; replaces lysine 3902 with glutamine.
Molecular consequence: missense variant.
Genome position (GRCh38, 1-based): chr6:56,598,700, T>G on the plus strand (A>C on the coding strand, the complement: DST is on the minus strand). VCF-style: chr6-56598700-T-G. GRCh37 (hg19) VCF-style: chr6-56463498-T-G.
Other names: c.5347A>C, p.Lys1783Gln (NM_001144769.5); c.4933A>C, p.Lys1645Gln (NM_001144770.2); c.11704A>C, p.Lys3902Gln (NM_001374722.1); c.11071A>C, p.Lys3691Gln (NM_001374729.1); c.4813A>C, p.Lys1605Gln (NM_001374730.1, NM_001386100.1, NM_183380.4); c.11731A>C, p.Lys3911Gln (NM_001374734.1); c.3835A>C, p.Lys1279Gln (NM_015548.5); short protein forms K1279Q, K1605Q, K1645Q, K1783Q, K3691Q, K3902Q, K3911Q.
Identifiers: ClinVar variation 2420939 (VCV002420939.8), dbSNP rs375330871, ClinGen allele CA364529402.